The following is an entry in ClinVar:

ClinVar aggregate classification (germline): Benign (1 of 4 stars; one submission).

Allele frequency attached by ClinVar (database versions not stated): 1000 Genomes Project 30x 0.00312; 1000 Genomes Project 0.00379; TOPMed 0.00519; gnomAD 0.00797.

Submission:

CeGaT Center for Human Genetics Tuebingen
Classification: Benign. Last evaluated: 2023-07-01. Review status: criteria provided, single submitter. Criteria: CeGaT Center For Human Genetics Tuebingen Variant Classification Criteria Version 2. Collection method: clinical testing. Allele origin: germline. Affected: yes. Observed: 3 variant alleles.
Comment: NR1I3: BS1, BS2

NC_000001.11:g.161238257C>A

Gene: NR1I3 (nuclear receptor subfamily 1 group I member 3; minus strand). Cytogenetic location: 1q23.3.
Variant type: single nucleotide variant.
Genome position: GRCh38 VCF-style: chr1-161238257-C-A. GRCh37 (hg19) VCF-style: chr1-161208047-C-A.
Identifiers: ClinVar variation 2639509 (VCV002639509.24), dbSNP rs35796551, ClinGen allele CA31646385.
Genomic context (GRCh38, chr1:161,238,257, plus strand): 5'-GATGTCTGTTTTATGTGGCCTCCAGTTGCTCTCAGTGACTGTGGGGTTAGGGCACAGACC[C>A]TGGACTCAGGGCAAAGGCCTGGGTGGGAGGTTTTCCCAGCATGACAAAAGTGCTGGTTGG-3'